The following is an entry in ClinVar:

ClinVar aggregate classification (germline): Pathogenic (1 of 4 stars; one submission).

Submission:

Quest Diagnostics Nichols Institute San Juan Capistrano
Classification: Pathogenic. Last evaluated: 2022-11-15. Review status: criteria provided, single submitter. Criteria: ACMG/ClinGen CNV Guidelines, 2019. Collection method: clinical testing. Allele origin: unknown.
Comment: This interval involves multiple genes, including FOXC1 (OMIM 601090), and overlaps the region associated with the chromosome 6pter-p24 deletion syndrome (OMIM 612582, Qi et al. BMC Med Genomics. 2015 Jul 15;8:38. PMID: 26174853; Kuipers et al. Clin Dysmorphol. 2013;22(1):18-21. PMID: 23183317; Bozza et al. Eur J Paediatr Neurol. 2013 May;17(3):225-31. PMID: 23069351). Haploinsufficiency of FOXC1 has been shown to play a role in the formation of Dandy-Walker malformations and is associated with the Axenfeld-Rieger syndrome type 3 (OMIM 602482) and anterior segment dysgenesis-3 (ASGD3; OMIM 601631, Ma et al., Genet Med. 2020 Oct;22(10):1623-1632. PMID: 32499604; Schumann et al., J Neurodev Disord. 2016 Apr 15;8:11. PMID: 27087860; Weegerink et al., Ann Otol Rhinol Laryngol. 2016 Sep;125(9):734-45. PMID: 27242366).

GRCh37/hg19 6p25.3(chr6:156975-2072578)x1

Genes: DUSP22 (dual specificity phosphatase 22; plus strand), EXOC2 (exocyst complex component 2; minus strand), FOXC1 (forkhead box C1; plus strand), FOXF2 (forkhead box F2; plus strand), FOXQ1 (forkhead box Q1; plus strand) and 3 more. Cytogenetic location: 6p25.3.
Variant type: copy number loss.
Change: copy number 1 (one copy instead of two) of chr6:156,975-2,072,578 (1.92 Mb, GRCh37 coordinates, 1-based), cytogenetic band 6p25.3.
Identifiers: ClinVar variation 2685192 (VCV002685192.1).